The following is an entry in ClinVar:

NM_000018.4(ACADVL):c.118T>C (p.Tyr40His)

Genes: ACADVL (acyl-CoA dehydrogenase very long chain; plus strand), LOC130060113 (ATAC-STARR-seq lymphoblastoid silent region 8088; plus strand). Cytogenetic location: 17p13.1.
Variant type: single nucleotide variant.
Coding change: c.118T>C on transcript NM_000018.4 (MANE Select); coding-DNA position 118, T replaced by C.
Protein change: p.Tyr40His; replaces tyrosine 40 with histidine.
Molecular consequence: missense variant. On other transcripts: 5 prime UTR variant (1).
Genome position (GRCh38, 1-based): chr17:7,220,177, T>C. VCF-style: chr17-7220177-T-C. GRCh37 (hg19) VCF-style: chr17-7123496-T-C.
Other names: c.118T>C, p.Tyr40His (NM_001033859.3); c.187T>C, p.Tyr63His (NM_001270447.2); c.-111T>C (NM_001270448.2); short protein forms Y63H, Y40H.
Identifiers: ClinVar variation 3811735 (VCV003811735.1).
Genomic context (GRCh38, chr17:7,220,177, plus strand): 5'-CACAGCTCGCGGCTCACGGCGCTCCTGGGGCAGCCCCGGCCCGGCCCTGCCCGGCGGCCC[T>C]ATGCCGGGGGTGCCGCTCAGGTAAGTCACCGCAGCCTTGGCAAGGGGGTGTGGGAGCGGC-3'
Protein context (NP_000009.1, residues 30-50): QPRPGPARRP[Tyr40His]AGGAAQLALD

ClinVar aggregate classification (germline): Uncertain significance (1 of 4 stars; one submission).

Conditions:
Inborn genetic diseases. Identifiers: MedGen C0950123, MeSH D030342.

Submission:

Ambry Genetics
Classification: Uncertain significance for Inborn genetic diseases. Last evaluated: 2024-12-14. Review status: criteria provided, single submitter. Criteria: Ambry Variant Classification Scheme 2023. Collection method: clinical testing. Allele origin: germline.
Comment: The p.Y40H variant (also known as c.118T>C), located in coding exon 2 of the ACADVL gene, results from a T to C substitution at nucleotide position 118. The tyrosine at codon 40 is replaced by histidine, an amino acid with similar properties. This amino acid position is conserved. In addition, the in silico prediction for this alteration is inconclusive. Based on the available evidence, the clinical significance of this variant remains unclear.